The following is an entry in ClinVar:

NM_002230.4(JUP):c.1247C>T (p.Ser416Phe)

Gene: JUP (junction plakoglobin; minus strand). Cytogenetic location: 17q21.2.
Variant type: single nucleotide variant.
Coding change: c.1247C>T on transcript NM_002230.4 (MANE Select); coding-DNA position 1247, C replaced by T.
Protein change: p.Ser416Phe; replaces serine 416 with phenylalanine.
Molecular consequence: missense variant.
Genome position (GRCh38, 1-based): chr17:41,763,233, G>A on the plus strand (C>T on the coding strand, the complement: JUP is on the minus strand). VCF-style: chr17-41763233-G-A. GRCh37 (hg19) VCF-style: chr17-39919485-G-A.
Other names: c.1247C>T, p.Ser416Phe (NM_001352773.2, NM_001352774.2, NM_001352775.2 and 3 more transcripts); short protein forms S416F.
Identifiers: ClinVar variation 1933859 (VCV001933859.7), dbSNP rs1915180463, ClinGen allele CA399497781.

ClinVar aggregate classification (germline): Uncertain significance. Review status: criteria provided, multiple submitters, no conflicts (2 of 4 stars). 2 submissions from 2 submitters: Uncertain significance (2). Last evaluated 2025-08-18.

Conditions:
Cardiovascular phenotype. Identifiers: MedGen CN230736.
Naxos disease (NXD). Also called: CARDIOMYOPATHY, ARRHYTHMOGENIC RIGHT VENTRICULAR, WITH SKIN, HAIR, AND NAIL ABNORMALITIES; WOOLLY HAIR, PALMOPLANTAR KERATODERMA, AND CARDIAC ABNORMALITIES; KERATOSIS PALMOPLANTARIS WITH ARRHYTHMOGENIC CARDIOMYOPATHY; MAL DE NAXOS; PALMOPLANTAR KERATODERMA WITH ARRHYTHMOGENIC RIGHT VENTRICULAR CARDIOMYOPATHY AND WOOLLY HAIR. Identifiers: Orphanet 34217, MedGen C1832600, MONDO:0011017, OMIM 601214.
Arrhythmogenic right ventricular dysplasia 12. Also called: ARRHYTHMOGENIC RIGHT VENTRICULAR DYSPLASIA, FAMILIAL, 12. Identifiers: MedGen C1969081, MONDO:0012684, OMIM 611528.

Allele frequency attached by ClinVar (database versions not stated): TOPMed below 0.00001; gnomAD 0.00001.

Submissions (2):

Labcorp Genetics (formerly Invitae), Labcorp
Classification: Uncertain significance for Arrhythmogenic right ventricular dysplasia 12; Naxos disease. Last evaluated: 2025-08-18. Review status: criteria provided, single submitter. Criteria: Invitae Variant Classification Sherloc (09022015). Collection method: clinical testing. Allele origin: germline.
Comment: This sequence change replaces serine, which is neutral and polar, with phenylalanine, which is neutral and non-polar, at codon 416 of the JUP protein (p.Ser416Phe). This variant is not present in population databases (gnomAD no frequency). This variant has not been reported in the literature in individuals affected with JUP-related conditions. ClinVar contains an entry for this variant (Variation ID: 1933859). An algorithm developed to predict the effect of missense changes on protein structure and function (PolyPhen-2) suggests that this variant is likely to be disruptive. In summary, the available evidence is currently insufficient to determine the role of this variant in disease. Therefore, it has been classified as a Variant of Uncertain Significance.

Ambry Genetics
Classification: Uncertain significance for Cardiovascular phenotype. Last evaluated: 2023-01-22. Review status: criteria provided, single submitter. Criteria: Ambry Variant Classification Scheme 2023. Collection method: clinical testing. Allele origin: germline.
Comment: The p.S416F variant (also known as c.1247C>T), located in coding exon 7 of the JUP gene, results from a C to T substitution at nucleotide position 1247. The serine at codon 416 is replaced by phenylalanine, an amino acid with highly dissimilar properties. This amino acid position is conserved. In addition, this alteration is predicted to be deleterious by in silico analysis. Since supporting evidence is limited at this time, the clinical significance of this alteration remains unclear.